The following is an entry in ClinVar:

ClinVar aggregate classification (germline): Uncertain significance (1 of 4 stars; one submission).

Conditions:
Diamond-Blackfan anemia. Also called: Blackfan Diamond syndrome; Aregenerative anemia chronic congenital; Red cell aplasia, pure hereditary; Congenital hypoplastic anemia; Aase syndrome. Identifiers: Orphanet 124, MedGen C1260899, MeSH D029503, MONDO:0015253, HP:0004810.
GATA binding protein 1 related thrombocytopenia with dyserythropoiesis. Also called: GATA1-Related Cytopenia; GATA1-Related X-Linked Cytopenia. Identifiers: MedGen C1845837, MONDO:0100089.

Allele frequency attached by ClinVar (database versions not stated): gnomAD exomes below 0.00001; TOPMed 0.00001.

Submission:

Labcorp Genetics (formerly Invitae), Labcorp
Classification: Uncertain significance for GATA binding protein 1 related thrombocytopenia with dyserythropoiesis; Diamond-Blackfan anemia. Last evaluated: 2023-05-29. Review status: criteria provided, single submitter. Criteria: Invitae Variant Classification Sherloc (09022015). Collection method: clinical testing. Allele origin: germline.
Comment: In summary, the available evidence is currently insufficient to determine the role of this variant in disease. Therefore, it has been classified as a Variant of Uncertain Significance. Algorithms developed to predict the effect of sequence changes on RNA splicing suggest that this variant may create or strengthen a splice site. This variant has not been reported in the literature in individuals affected with GATA1-related conditions. This variant is present in population databases (no rsID available, gnomAD 0.009%). This sequence change affects codon 39 of the GATA1 mRNA. It is a 'silent' change, meaning that it does not change the encoded amino acid sequence of the GATA1 protein.

NM_002049.4(GATA1):c.117G>A (p.Glu39=)

Gene: GATA1 (GATA binding protein 1; plus strand). Cytogenetic location: Xp11.23.
Variant type: single nucleotide variant.
Coding change: c.117G>A on transcript NM_002049.4 (MANE Select); coding-DNA position 117, G replaced by A.
Protein change: p.Glu39=; no amino-acid change (glutamic acid 39 retained).
Molecular consequence: synonymous variant.
Genome position (GRCh38, 1-based): chrX:48,791,226, G>A. VCF-style: chrX-48791226-G-A. GRCh37 (hg19) VCF-style: chrX-48649633-G-A.
Identifiers: ClinVar variation 2925763 (VCV002925763.3), dbSNP rs892837818, ClinGen allele CA329105973.